The following is an entry in ClinVar:

ClinVar aggregate classification (germline): Likely benign (1 of 4 stars; one submission).

Allele frequency attached by ClinVar (database versions not stated): TOPMed 0.00008; gnomAD 0.00021; gnomAD exomes 0.00039; ExAC 0.00158; 1000 Genomes Project 0.00240; 1000 Genomes Project 30x 0.00265.

Submission:

CeGaT Center for Human Genetics Tuebingen
Classification: Likely benign. Last evaluated: 2023-04-01. Review status: criteria provided, single submitter. Criteria: CeGaT Center For Human Genetics Tuebingen Variant Classification Criteria Version 2. Collection method: clinical testing. Allele origin: germline. Affected: yes. Observed: 1 variant allele.
Comment: LCP2: BP4, BP7

NM_005565.5(LCP2):c.1179C>T (p.Ala393=)

Gene: LCP2 (lymphocyte cytosolic protein 2; minus strand). Cytogenetic location: 5q35.1.
Variant type: single nucleotide variant.
Coding change: c.1179C>T on transcript NM_005565.5 (MANE Select); coding-DNA position 1179, C replaced by T.
Protein change: p.Ala393=; no amino-acid change (alanine 393 retained).
Molecular consequence: synonymous variant.
Genome position (GRCh38, 1-based): chr5:170,253,185, G>A on the plus strand (C>T on the coding strand, the complement: LCP2 is on the minus strand). VCF-style: chr5-170253185-G-A. GRCh37 (hg19) VCF-style: chr5-169680189-G-A.
Identifiers: ClinVar variation 2656068 (VCV002656068.24), dbSNP rs539996327, ClinGen allele CA3555392.